The following is an entry in ClinVar:

NM_000059.4(BRCA2):c.6638C>T (p.Ser2213Phe)

Gene: BRCA2 (BRCA2 DNA repair associated; plus strand). Cytogenetic location: 13q13.1.
Variant type: single nucleotide variant.
Coding change: c.6638C>T on transcript NM_000059.4 (MANE Select); coding-DNA position 6638, C replaced by T.
Protein change: p.Ser2213Phe; replaces serine 2213 with phenylalanine.
Molecular consequence: missense variant.
Genome position (GRCh38, 1-based): chr13:32,340,993, C>T. VCF-style: chr13-32340993-C-T. GRCh37 (hg19) VCF-style: chr13-32915130-C-T.
Other names: short protein forms S2213F.
Identifiers: ClinVar variation 219680 (VCV000219680.22), dbSNP rs75925841, ClinGen allele CA348036.

ClinVar aggregate classification (germline): Conflicting classifications of pathogenicity. Review status: criteria provided, conflicting classifications (1 of 4 stars). 7 submissions from 7 submitters: Uncertain significance (5); Likely benign (1). 1 of the submissions does not count toward it. Last evaluated 2026-01-04.

Conditions:
Hereditary cancer-predisposing syndrome. Also called: Hereditary neoplastic syndrome; Tumor predisposition; Hereditary Cancer Syndrome; Neoplastic Syndromes, Hereditary. Identifiers: Orphanet 140162, MedGen C0027672, MeSH D009386, MONDO:0015356.
Hereditary breast ovarian cancer syndrome. Also called: BRCA1- and BRCA2-Associated Hereditary Breast and Ovarian Cancer; Hereditary breast and ovarian cancer syndrome (HBOC); Hereditary breast and/or ovarian cancer syndrome; Hereditary breast and ovarian cancer syndrome; Hereditary breast and ovarian cancer; Breast and ovarian cancer. Identifiers: Orphanet 145, MedGen C0677776, MeSH D061325, MONDO:0003582. Disease mechanism: loss of function.
Familial cancer of breast. Also called: hereditary breast carcinoma; Hereditary breast cancer; BREAST CANCER, FAMILIAL. Identifiers: Orphanet 227535, MedGen C0346153, MONDO:0016419, OMIM 114480. Disease mechanism: loss of function.

Allele frequency attached by ClinVar (database versions not stated): TOPMed below 0.00001; gnomAD 0.00001; gnomAD exomes 0.00001; ExAC 0.00002; 1000 Genomes Project 30x 0.00016; 1000 Genomes Project 0.00020.
gnomAD v4.1: 3 of 1,611,052 alleles (0.00019%); highest among the groups gnomAD compares: East Asian, 0.0067%; no homozygotes.

Submissions (7):

Labcorp Genetics (formerly Invitae), Labcorp
Classification: Uncertain significance for Hereditary breast ovarian cancer syndrome. Last evaluated: 2026-01-04. Review status: criteria provided, single submitter. Criteria: Invitae Variant Classification Sherloc (09022015). Collection method: clinical testing. Allele origin: germline.
Comment: This sequence change replaces serine, which is neutral and polar, with phenylalanine, which is neutral and non-polar, at codon 2213 of the BRCA2 protein (p.Ser2213Phe). This variant is present in population databases (rs75925841, gnomAD 0.01%). This missense change has been observed in individual(s) with breast cancer (PMID: 26287763, 28664449, 35918668). This variant is also known as 6866C>T. ClinVar contains an entry for this variant (Variation ID: 219680). Invitae Evidence Modeling of protein sequence and biophysical properties (such as structural, functional, and spatial information, amino acid conservation, physicochemical variation, residue mobility, and thermodynamic stability) indicates that this missense variant is not expected to disrupt BRCA2 protein function with a negative predictive value of 95%. Experimental studies have shown that this missense change does not substantially affect BRCA2 function (PMID: 36243179). In summary, the available evidence is currently insufficient to determine the role of this variant in disease. Therefore, it has been classified as a Variant of Uncertain Significance.

Color Diagnostics, LLC DBA Color Health
Classification: Uncertain significance for Hereditary cancer-predisposing syndrome. Last evaluated: 2025-11-18. Review status: criteria provided, single submitter. Criteria: ACMG Guidelines, 2015. Collection method: clinical testing. Allele origin: germline.
Comment: This missense variant replaces serine with phenylalanine at codon 2213 of the BRCA2 protein. Computational prediction suggests that this variant may not impact protein structure and function. To our knowledge, functional studies have not been reported for this variant. This variant has been detected in at least one individual affected with breast and/or ovarian cancer and a suspected hereditary breast and ovarian cancer family and in an unaffected individual (PMID: 27157322, 28664449, 35918668). This variant has been detected in a breast cancer case-control meta-analysis in 1/60466 cases and 2/53461 unaffected individuals (PMID: 33471991LOVD DB-ID BRCA2_007174). Multifactorial analysis reached a combined likelihood ratio (LR) of 0.444 based on breast cancer case-control data and personal and family history for 2 carriers (PMID: 31853058, 40413188). This variant has been identified in 3/1611052 chromosomes in the general population by the Genome Aggregation Database (gnomAD). The available evidence is insufficient to determine the role of this variant in disease conclusively. Therefore, this variant is classified as a Variant of Uncertain Significance.

Ambry Genetics
Classification: Uncertain significance for Hereditary cancer-predisposing syndrome. Last evaluated: 2024-04-10. Review status: criteria provided, single submitter. Criteria: Ambry Variant Classification Scheme 2023. Collection method: clinical testing. Allele origin: germline.
Comment: The p.S2213F variant (also known as c.6638C>T), located in coding exon 10 of the BRCA2 gene, results from a C to T substitution at nucleotide position 6638. The serine at codon 2213 is replaced by phenylalanine, an amino acid with highly dissimilar properties. This alteration has been identified in multiple individuals diagnosed with breast and/or ovarian cancer (Li G et al. J Cancer Res Clin Oncol, 2017 Oct;143:2011-2024; Chan GHJ et al. Oncotarget, 2018 Jul;9:30649-30660; Zhang Y et al. BMC Cancer, 2022 Aug;22:842). This amino acid position is not well conserved in available vertebrate species. In addition, the in silico prediction for this alteration is inconclusive. Based on the available evidence, the clinical significance of this variant remains unclear.

University of Washington Department of Laboratory Medicine, University of Washington
Classification: Likely benign for Hereditary cancer-predisposing syndrome. Last evaluated: 2023-03-23. Review status: criteria provided, single submitter. Criteria: Dines et al. (Genet Med. 2020). Collection method: curation. Allele origin: germline.
Comment: Missense variant in a coldspot region where missense variants are very unlikely to be pathogenic (PMID:31911673).

BRCA2 exon 11 coldspot. Reclassification based on statistical prior probability.

Women's Health and Genetics/Laboratory Corporation of America, LabCorp
Classification: Uncertain significance. Last evaluated: 2021-01-29. Review status: criteria provided, single submitter. Criteria: LabCorp Variant Classification Summary - May 2015. Collection method: clinical testing. Allele origin: germline.
Comment: Variant summary: BRCA2 c.6638C>T (p.Ser2213Phe) results in a non-conservative amino acid change in the encoded protein sequence. Four of five in-silico tools predict a benign effect of the variant on protein function. The variant allele was found at a frequency of 1.2e-05 in 248306 control chromosomes. The available data on variant occurrences in the general population are insufficient to allow any conclusion about variant significance. c.6638C>T has been reported in the literature in individuals affected with Breast Cancer (example, Pal 2015, Li 2017, Gao_2020) and in unaffected Chinese control populations from the 1000 Genomes project (example, Kwong_2016). These report(s) do not provide unequivocal conclusions about association of the variant with Hereditary Breast And Ovarian Cancer Syndrome. At-least one co-occurrence with another pathogenic variant(s) has been observed at our laboratory ( BRCA1 c.815_824dupAGCCATGTGG, p.Thr276fsX14), providing supporting evidence for a benign role. To our knowledge, no experimental evidence demonstrating an impact on protein function has been reported. Three clinical diagnostic laboratories have submitted clinical-significance assessments for this variant to ClinVar after 2014 without evidence for independent evaluation. All laboratories classified the variant as uncertain significance. Some submitters cite overlapping evidence utilized in the context of this evaluation. Based on the evidence outlined above, the variant was classified as uncertain significance.

GeneDx
Classification: Uncertain significance. Last evaluated: 2017-09-13. Review status: criteria provided, single submitter. Criteria: GeneDx Variant Classification (06012015). Collection method: clinical testing. Allele origin: germline. Affected: yes.
Comment: This variant is denoted BRCA2 c.6638C>T at the cDNA level, p.Ser2213Phe (S2213F) at the protein level, and results in the change of a Serine to a Phenylalanine (TCT>TTT). Using alternate nomenclature, this variant would be defined as BRCA2 6866C>T. This variant has been observed in at least one individual with breast cancer (Li 2017). BRCA2 Ser2213Phe was not observed at a significant allele frequency in large population cohorts (NHLBI Exome Sequencing Project, The 1000 Genomes Consortium 2015, Lek 2016). Since Serine and Phenylalanine differ in polarity, charge, size or other properties, this is considered a non-conservative amino acid substitution. BRCA2 Ser2213Phe occurs at a position that is not conserved and is not located in a known functional domain. In silico analyses are inconsistent regarding the effect this variant may have on protein structure and function. Based on currently available evidence, it is unclear whether BRCA2 Ser2213Phe is a pathogenic or benign variant. We consider it to be a variant of uncertain significance.

Center for Precision Medicine, Meizhou People's Hospital
Classification: Uncertain significance for Familial cancer of breast. Review status: no assertion criteria provided. Collection method: literature only. Allele origin: germline. Affected: yes. Not counted in ClinVar's aggregate classification.

Literature cited by the submitters: PubMed 26287763 (cited by 3 submitters); PubMed 28664449 (cited by 5 submitters); PubMed 35918668 (cited by 3 submitters); PubMed 36243179 (cited by Labcorp Genetics (formerly Invitae), Labcorp); PubMed 27157322 (cited by 3 submitters); PubMed 31853058 (cited by Color Diagnostics, LLC DBA Color Health); PubMed 33471991 (cited by Color Diagnostics, LLC DBA Color Health); PubMed 40413188 (cited by Color Diagnostics, LLC DBA Color Health); PubMed 30093976 (cited by Ambry Genetics); PubMed 31825140 (cited by Women's Health and Genetics/Laboratory Corporation of America, LabCorp and Center for Precision Medicine, Meizhou People's Hospital).